The following is an entry in ClinVar:

NM_022132.5(MCCC2):c.857dup (p.Leu286fs)

Gene: MCCC2 (methylcrotonyl-CoA carboxylase subunit 2; plus strand). Cytogenetic location: 5q13.2.
Variant type: Duplication.
Coding change: c.857dup on transcript NM_022132.5 (MANE Select); coding-DNA position 857, one base duplicated (T; older notation c.857dupT).
Protein change: p.Leu286fs; shifts the reading frame from leucine 286.
Molecular consequence: frameshift variant.
Genome position (GRCh38, 1-based): chr5:71,634,996, T duplicated; the last of 2 consecutive T bases (chr5:71,634,995-71,634,996); duplicating either gives the same sequence. VCF-style (leftmost placement, unchanged base first): chr5-71634994-C-CT. GRCh37 (hg19) VCF-style: chr5-70930821-C-CT.
Other names: c.743dup, p.Leu248fs (NM_001363147.1); short protein forms L248fs, L286fs.
Identifiers: ClinVar variation 4816109 (VCV004816109.1).

ClinVar aggregate classification (germline): Likely pathogenic (1 of 4 stars; one submission).

Conditions:
3-methylcrotonyl-CoA carboxylase 2 deficiency. Also called: 3 alpha methylcrotonyl-CoA carboxylase 2 deficiency; 3 alpha methylcrotonylglycinuria 2; MCC 2 deficiency; Methylcrotonylglycinuria type 2; METHYLCROTONYLGLYCINURIA, TYPE II. Identifiers: Orphanet 6, MedGen C1859499, MONDO:0008862, OMIM 210210.

Submission:

Natera, Inc.
Classification: Likely pathogenic for 3-methylcrotonyl-CoA carboxylase 2 deficiency. Last evaluated: 2024-07-26. Review status: criteria provided, single submitter. Criteria: Natera Variant Classification Schema (03/2026). Collection method: clinical testing. Allele origin: germline.
Comment: The c.857dup variant in MCCC2 is a frameshift variant predicted to shift the reading frame beginning at codon 286 and leads to a stop codon 3 codons downstream. This variant is expected to result in nonsense mediated decay, truncation, or a dysfunctional protein product. This variant is rare in the general population with a frequency below the threshold expected for the associated phenotype(s). Given the available evidence, this variant is classified as Likely Pathogenic.